The following is an entry in ClinVar:

NM_022455.5(NSD1):c.8025A>G (p.Gln2675=)

Gene: NSD1 (nuclear receptor binding SET domain protein 1; plus strand). Cytogenetic location: 5q35.3.
Variant type: single nucleotide variant.
Coding change: c.8025A>G on transcript NM_022455.5 (MANE Select); coding-DNA position 8025, A replaced by G.
Protein change: p.Gln2675=; no amino-acid change (glutamine 2675 retained).
Molecular consequence: synonymous variant.
Genome position (GRCh38, 1-based): chr5:177,295,393, A>G. VCF-style: chr5-177295393-A-G. GRCh37 (hg19) VCF-style: chr5-176722394-A-G.
Other names: c.7152A>G, p.Gln2384= (NM_001365684.2, NM_001409308.1, NM_172349.5); c.8025A>G, p.Gln2675= (NM_001409301.1, NM_001409302.1, NM_001409303.1); c.7605A>G, p.Gln2535= (NM_001409304.1); c.7272A>G, p.Gln2424= (NM_001409305.1); c.7263A>G, p.Gln2421= (NM_001409306.1, NM_001409307.1); c.6903A>G, p.Gln2301= (NM_001409309.1).
Identifiers: ClinVar variation 414476 (VCV000414476.18), dbSNP rs199895437, ClinGen allele CA3578219.
Genomic context (GRCh38, chr5:177,295,393, plus strand): 5'-ACAGACATTGGCACAGACTTGCTGGTCTCTTGGAAGAGGGCAAGACCCCAAACCAGAGCA[A>G]AATACACTTCCAGCTCTTAACCAGGCTCCTTCCAGTCACAAGTGTGCAGAATCAGAACAG-3'
Protein context (NP_071900.2, residues 2665-2685): LGRGQDPKPE[Gln2675=]NTLPALNQAP

ClinVar aggregate classification (germline): Likely benign. Review status: criteria provided, multiple submitters, no conflicts (2 of 4 stars). 4 submissions from 4 submitters: Likely benign (4). Last evaluated 2026-03-01.

Conditions:
Inborn genetic diseases. Identifiers: MedGen C0950123, MeSH D030342.

Allele frequency attached by ClinVar (database versions not stated): gnomAD exomes 0.00001 and 0.00006; gnomAD 0.00002 and 0.00003; TOPMed 0.00005; ExAC 0.00006; 1000 Genomes Project 30x 0.00016; 1000 Genomes Project 0.00020.
gnomAD v4.1: 20 of 1,614,230 alleles (0.0012%); highest among the groups gnomAD compares: Admixed American, 0.03%; no homozygotes.

Submissions (4):

CeGaT Center for Human Genetics Tuebingen
Classification: Likely benign. Last evaluated: 2026-03-01. Review status: criteria provided, single submitter. Criteria: CeGaT Center For Human Genetics Tuebingen Variant Classification Criteria Version 2. Collection method: clinical testing. Allele origin: germline. Affected: yes. Observed: 1 variant allele.
Comment: NSD1: BP4, BP7

Labcorp Genetics (formerly Invitae), Labcorp
Classification: Likely benign. Last evaluated: 2025-06-23. Review status: criteria provided, single submitter. Criteria: Invitae Variant Classification Sherloc (09022015). Collection method: clinical testing. Allele origin: germline.

Blueprint Genetics
Classification: Likely benign. Last evaluated: 2024-07-18. Review status: criteria provided, single submitter. Criteria: ACMG Guidelines, 2015. Collection method: clinical testing. Allele origin: germline.

Ambry Genetics
Classification: Likely benign for Inborn genetic diseases. Last evaluated: 2019-08-06. Review status: criteria provided, single submitter. Criteria: Ambry Variant Classification Scheme 2023. Collection method: clinical testing. Allele origin: germline.